The following is an entry in ClinVar:

NM_020297.4(ABCC9):c.2140C>A (p.Leu714Ile)

Gene: ABCC9 (ATP binding cassette subfamily C member 9; minus strand). Cytogenetic location: 12p12.1.
Variant type: single nucleotide variant.
Coding change: c.2140C>A on transcript NM_020297.4 (MANE Select); coding-DNA position 2140, C replaced by A.
Protein change: p.Leu714Ile; replaces leucine 714 with isoleucine.
Molecular consequence: missense variant.
Genome position (GRCh38, 1-based): chr12:21,872,683, G>T on the plus strand (C>A on the coding strand, the complement: ABCC9 is on the minus strand). VCF-style: chr12-21872683-G-T. GRCh37 (hg19) VCF-style: chr12-22025617-G-T.
Other names: c.2140C>A, p.Leu714Ile (NM_001377273.1, NM_005691.4); c.1276C>A, p.Leu426Ile (NM_001377274.1); short protein forms L426I, L714I.
Identifiers: ClinVar variation 1948826 (VCV001948826.5), dbSNP rs2137581867, ClinGen allele CA384132714.

ClinVar aggregate classification (germline): Uncertain significance (1 of 4 stars; one submission).

Conditions:
Dilated cardiomyopathy 1O (CMD1O). Also called: CARDIOMYOPATHY, DILATED, WITH VENTRICULAR TACHYCARDIA. Identifiers: Orphanet 154, MedGen C1837839, MONDO:0012062, OMIM 608569.

Submission:

Labcorp Genetics (formerly Invitae), Labcorp
Classification: Uncertain significance for Dilated cardiomyopathy 1O. Last evaluated: 2022-07-21. Review status: criteria provided, single submitter. Criteria: Invitae Variant Classification Sherloc (09022015). Collection method: clinical testing. Allele origin: germline.
Comment: Algorithms developed to predict the effect of missense changes on protein structure and function are either unavailable or do not agree on the potential impact of this missense change (SIFT: "Tolerated"; PolyPhen-2: "Probably Damaging"; Align-GVGD: "Class C0"). In summary, the available evidence is currently insufficient to determine the role of this variant in disease. Therefore, it has been classified as a Variant of Uncertain Significance. This variant has not been reported in the literature in individuals affected with ABCC9-related conditions. This variant is not present in population databases (gnomAD no frequency). This sequence change replaces leucine, which is neutral and non-polar, with isoleucine, which is neutral and non-polar, at codon 714 of the ABCC9 protein (p.Leu714Ile).